The following is an entry in ClinVar:

NC_000013.11:g.(?_49559918)_(49560084_?)del

Gene: RCBTB1 (RCC1 and BTB domain containing protein 1; minus strand). Cytogenetic location: 13q14.2.
Variant type: Deletion.
Identifiers: ClinVar variation 830904 (VCV000830904.5).

ClinVar aggregate classification (germline): Pathogenic (1 of 4 stars; one submission).

Submission:

Labcorp Genetics (formerly Invitae), Labcorp
Classification: Pathogenic. Last evaluated: 2020-09-16. Review status: criteria provided, single submitter. Criteria: Invitae Variant Classification Sherloc (09022015). Collection method: clinical testing. Allele origin: germline.
Comment: For these reasons, this variant has been classified as Pathogenic. Loss-of-function variants in RCBTB1 are known to be pathogenic (PMID: 31494449). This variant has not been reported in the literature in individuals with RCBTB1-related conditions. This variant is an out-of-frame deletion of the genomic region encompassing exon(s) 5 of the RCBTB1 gene. This is expected to create a premature translational stop signal and result in an absent or disrupted protein product.

Literature cited by the submitters: PubMed 31494449.